The following is an entry in ClinVar:

ClinVar aggregate classification (germline): Likely benign (0 of 4 stars; one submission).

Conditions:
KRT6A-related disorder. Also called: KRT6A-related condition.

Allele frequency attached by ClinVar (database versions not stated): ExAC 0.00075; ESP Exome Variant Server 0.00240; 1000 Genomes Project 30x 0.00250; 1000 Genomes Project 0.00260; gnomAD 0.00261; TOPMed 0.00296.

Submission:

PreventionGenetics, part of Exact Sciences
Classification: Likely benign for KRT6A-related condition. Last evaluated: 2019-09-24. Review status: no assertion criteria provided. Collection method: clinical testing. Allele origin: germline.
Comment: This variant is classified as likely benign based on ACMG/AMP sequence variant interpretation guidelines (Richards et al. 2015 PMID: 25741868, with internal and published modifications).

NM_005554.4(KRT6A):c.56G>A (p.Ser19Asn)

Gene: KRT6A (keratin 6A; minus strand). Cytogenetic location: 12q13.13.
Variant type: single nucleotide variant.
Coding change: c.56G>A on transcript NM_005554.4 (MANE Select); coding-DNA position 56, G replaced by A.
Protein change: p.Ser19Asn; replaces serine 19 with asparagine.
Molecular consequence: missense variant.
Genome position (GRCh38, 1-based): chr12:52,493,133, C>T on the plus strand (G>A on the coding strand, the complement: KRT6A is on the minus strand). VCF-style: chr12-52493133-C-T. GRCh37 (hg19) VCF-style: chr12-52886917-C-T.
Other names: short protein forms S19N.
Identifiers: ClinVar variation 3050566 (VCV003050566.2), dbSNP rs201201647, ClinGen allele CA6582352.